The following is an entry in ClinVar:

NM_006206.6(PDGFRA):c.2880+3G>A

Gene: PDGFRA (platelet derived growth factor receptor alpha; plus strand). Cytogenetic location: 4q12.
Variant type: single nucleotide variant.
Coding change: c.2880+3G>A on transcript NM_006206.6 (MANE Select); 3 bases into the intron after coding-DNA position 2880, G replaced by A.
Molecular consequence: intron variant.
Genome position (GRCh38, 1-based): chr4:54,289,117, G>A. VCF-style: chr4-54289117-G-A. GRCh37 (hg19) VCF-style: chr4-55155284-G-A.
Other names: c.2955+3G>A (NM_001347828.2); c.2880+3G>A (NM_001347829.2); c.2919+3G>A (NM_001347830.2).
Identifiers: ClinVar variation 860541 (VCV000860541.7), dbSNP rs971219204, ClinGen allele CA96829377.

ClinVar aggregate classification (germline): Uncertain significance. Review status: criteria provided, multiple submitters, no conflicts (2 of 4 stars). 2 submissions from 2 submitters: Uncertain significance (2). Last evaluated 2025-09-30.

Conditions:
Gastrointestinal stromal tumor. Also called: Gastrointestinal stromal tumor, somatic; Gastrointestinal stroma tumor. Identifiers: Orphanet 44890, MedGen C0238198, MeSH D046152, MONDO:0011719, OMIM 606764, HP:0100723.
Hereditary cancer-predisposing syndrome. Also called: Neoplastic Syndromes, Hereditary; Tumor predisposition; Hereditary Cancer Syndrome; Hereditary neoplastic syndrome. Identifiers: Orphanet 140162, MedGen C0027672, MeSH D009386, MONDO:0015356.

Allele frequency attached by ClinVar (database versions not stated): gnomAD exomes below 0.00001; gnomAD 0.00001; TOPMed 0.00002.
gnomAD v4.1: 3 of 1,528,590 alleles (0.0002%); highest among the groups gnomAD compares: African/African-American, 0.0041%; no homozygotes.

Submissions (2):

Labcorp Genetics (formerly Invitae), Labcorp
Classification: Uncertain significance for Gastrointestinal stromal tumor. Last evaluated: 2025-09-30. Review status: criteria provided, single submitter. Criteria: Invitae Variant Classification Sherloc (09022015). Collection method: clinical testing. Allele origin: germline.
Comment: This sequence change falls in intron 21 of the PDGFRA gene. It does not directly change the encoded amino acid sequence of the PDGFRA protein. It affects a nucleotide within the consensus splice site. This variant is not present in population databases (gnomAD no frequency). This variant has not been reported in the literature in individuals affected with PDGFRA-related conditions. ClinVar contains an entry for this variant (Variation ID: 860541). Variants that disrupt the consensus splice site are a relatively common cause of aberrant splicing (PMID: 17576681, 9536098). Algorithms developed to predict the effect of sequence changes on RNA splicing suggest that this variant is not likely to affect RNA splicing. In summary, the available evidence is currently insufficient to determine the role of this variant in disease. Therefore, it has been classified as a Variant of Uncertain Significance.

Ambry Genetics
Classification: Uncertain significance for Hereditary cancer-predisposing syndrome. Last evaluated: 2025-06-14. Review status: criteria provided, single submitter. Criteria: Ambry Variant Classification Scheme 2023. Collection method: clinical testing. Allele origin: germline.
Comment: The c.2880+3G>A intronic variant results from a G to A substitution 3 nucleotides after coding exon 20 in the PDGFRA gene. This nucleotide position is poorly conserved in available vertebrate species. In silico splice site analysis predicts that this alteration will not have any significant effect on splicing. Based on the available evidence, the clinical significance of this variant remains unclear.

Literature cited by the submitters: PubMed 17576681 (cited by Labcorp Genetics (formerly Invitae), Labcorp); PubMed 9536098 (cited by Labcorp Genetics (formerly Invitae), Labcorp).